The following is an entry in ClinVar:

NM_005732.4(RAD50):c.1406G>C (p.Gly469Ala)

Gene: RAD50 (RAD50 double strand break repair protein; plus strand). Cytogenetic location: 5q31.1.
Variant type: single nucleotide variant.
Coding change: c.1406G>C on transcript NM_005732.4 (MANE Select); coding-DNA position 1406, G replaced by C.
Protein change: p.Gly469Ala; replaces glycine 469 with alanine.
Molecular consequence: missense variant.
Genome position (GRCh38, 1-based): chr5:132,589,791, G>C. VCF-style: chr5-132589791-G-C. GRCh37 (hg19) VCF-style: chr5-131925483-G-C.
Other names: short protein forms G469A.
Identifiers: ClinVar variation 216618 (VCV000216618.17), dbSNP rs55653181, ClinGen allele CA338350.

ClinVar aggregate classification (germline): Uncertain significance. Review status: criteria provided, multiple submitters, no conflicts (2 of 4 stars). 4 submissions from 4 submitters: Uncertain significance (4). Last evaluated 2025-11-27.

Conditions:
Hereditary cancer-predisposing syndrome. Also called: Hereditary Cancer Syndrome; Hereditary neoplastic syndrome; Neoplastic Syndromes, Hereditary; Tumor predisposition. Identifiers: Orphanet 140162, MedGen C0027672, MeSH D009386, MONDO:0015356.
Nijmegen breakage syndrome-like disorder (NBSLD). Also called: MICROCEPHALY AND SPONTANEOUS CHROMOSOME INSTABILITY WITHOUT IMMUNODEFICIENCY; NBS-LIKE DISORDER; RAD50 DEFICIENCY. Identifiers: Orphanet 240760, MedGen C2751318, MONDO:0013118, OMIM 613078.

Allele frequency attached by ClinVar (database versions not stated): gnomAD exomes below 0.00001 and 0.00001; ExAC 0.00001; gnomAD 0.00001 and 0.00002; TOPMed 0.00001; 1000 Genomes Project 0.00020; 1000 Genomes Project 30x 0.00031.
gnomAD v4.1: 12 of 1,613,662 alleles (0.00074%); highest among the groups gnomAD compares: South Asian, 0.0011%; no homozygotes.

Submissions (4):

Labcorp Genetics (formerly Invitae), Labcorp
Classification: Uncertain significance for Hereditary cancer-predisposing syndrome. Last evaluated: 2025-11-27. Review status: criteria provided, single submitter. Criteria: Invitae Variant Classification Sherloc (09022015). Collection method: clinical testing. Allele origin: germline.
Comment: This sequence change replaces glycine, which is neutral and non-polar, with alanine, which is neutral and non-polar, at codon 469 of the RAD50 protein (p.Gly469Ala). This variant is present in population databases (rs55653181, gnomAD 0.0009%). This variant has not been reported in the literature in individuals affected with RAD50-related conditions. ClinVar contains an entry for this variant (Variation ID: 216618). Invitae Evidence Modeling of protein sequence and biophysical properties (such as structural, functional, and spatial information, amino acid conservation, physicochemical variation, residue mobility, and thermodynamic stability) indicates that this missense variant is not expected to disrupt RAD50 protein function with a negative predictive value of 80%. In summary, the available evidence is currently insufficient to determine the role of this variant in disease. Therefore, it has been classified as a Variant of Uncertain Significance.

Ambry Genetics
Classification: Uncertain significance for Hereditary cancer-predisposing syndrome. Last evaluated: 2024-10-07. Review status: criteria provided, single submitter. Criteria: Ambry Variant Classification Scheme 2023. Collection method: clinical testing. Allele origin: germline.
Comment: The p.G469A variant (also known as c.1406G>C), located in coding exon 9 of the RAD50 gene, results from a G to C substitution at nucleotide position 1406. The glycine at codon 469 is replaced by alanine, an amino acid with similar properties. This amino acid position is highly conserved in available vertebrate species. In addition, this alteration is predicted to be tolerated by in silico analysis. Since supporting evidence is limited at this time, the clinical significance of this alteration remains unclear.

Baylor Genetics
Classification: Uncertain significance for Nijmegen breakage syndrome-like disorder. Last evaluated: 2023-10-30. Review status: criteria provided, single submitter. Criteria: ACMG Guidelines, 2015. Collection method: clinical testing. Allele origin: unknown.

Breakthrough Genomics
Classification: Uncertain significance. Review status: criteria provided, single submitter. Criteria: ACMG Guidelines, 2015. Collection method: not provided. Allele origin: germline. Inheritance: Autosomal recessive inheritance. Affected: yes.

Literature cited by the submitters: PubMed 28202063 (cited by Ambry Genetics).